The following is an entry in ClinVar:

NM_006297.3(XRCC1):c.894A>C (p.Lys298Asn)

Gene: XRCC1 (X-ray repair cross complementing 1; minus strand). Cytogenetic location: 19q13.31.
Variant type: single nucleotide variant.
Coding change: c.894A>C on transcript NM_006297.3 (MANE Select); coding-DNA position 894, A replaced by C.
Protein change: p.Lys298Asn; replaces lysine 298 with asparagine.
Molecular consequence: missense variant.
Genome position (GRCh38, 1-based): chr19:43,552,205, T>G on the plus strand (A>C on the coding strand, the complement: XRCC1 is on the minus strand). VCF-style: chr19-43552205-T-G. GRCh37 (hg19) VCF-style: chr19-44056357-T-G.
Other names: short protein forms K298N.
Identifiers: ClinVar variation 4525854 (VCV004525854.1).

ClinVar aggregate classification (germline): Uncertain significance (1 of 4 stars; one submission).

gnomAD v4.1: 108 of 1,613,874 alleles (0.0067%); highest among the groups gnomAD compares: African/African-American, 0.13%; no homozygotes.

Submission:

Women's Health and Genetics/Laboratory Corporation of America, LabCorp
Classification: Uncertain significance. Last evaluated: 2025-07-16. Review status: criteria provided, single submitter. Criteria: LabCorp Variant Classification Summary - May 2015. Collection method: clinical testing. Allele origin: germline.
Comment: Variant summary: XRCC1 c.894A>C (p.Lys298Asn) results in a non-conservative amino acid change in the encoded protein sequence. Algorithms developed to predict the effect of missense changes on protein structure and function are either unavailable or do not agree on the potential impact of this missense change. The variant allele was found at a frequency of 8.8e-05 in 250846 control chromosomes. This frequency is not significantly higher than estimated for a pathogenic variant in XRCC1 causing Spinocerebellar Ataxia, Autosomal Recessive 26, allowing no conclusion about variant significance. To our knowledge, no occurrence of c.894A>C in individuals affected with Spinocerebellar Ataxia, Autosomal Recessive 26 and no experimental evidence demonstrating its impact on protein function have been reported. No submitters have cited clinical-significance assessments for this variant to ClinVar. Based on the evidence outlined above, the variant was classified as uncertain significance.